The following is an entry in ClinVar:

NM_005609.4(PYGM):c.1101_1105dup (p.Thr369delinsMetTer)

Gene: PYGM (glycogen phosphorylase, muscle associated; minus strand). Cytogenetic location: 11q13.1.
Variant type: Duplication.
Coding change: c.1101_1105dup on transcript NM_005609.4 (MANE Select); coding-DNA positions 1101 to 1105, 5 bases duplicated (TGTGA; older notation c.1101_1105dupTGTGA).
Protein change: p.Thr369delinsMetTer.
Molecular consequence: nonsense.
Genome position (GRCh38, 1-based): chr11:64,754,013-64,754,017, TCACA duplicated on the plus strand (TGTGA on the coding strand, the reverse complement: PYGM is on the minus strand); duplicating any 5 consecutive bases within chr11:64,754,013-64,754,019 gives the same sequence; the c. name uses the placement nearest the transcript's 3' end. VCF-style (leftmost placement, unchanged base first): chr11-64754012-G-GTCACA. GRCh37 (hg19) VCF-style: chr11-64521484-G-GTCACA.
Other names: c.837_841dup, p.Thr281delinsMetTer (NM_001164716.1).
Identifiers: ClinVar variation 5012486 (VCV005012486.1).

ClinVar aggregate classification (germline): Pathogenic (1 of 4 stars; one submission).

Conditions:
Glycogen storage disease, type V (GSD5). Also called: MCARDLE DISEASE; MUSCLE GLYCOGEN PHOSPHORYLASE DEFICIENCY; MYOPHOSPHORYLASE DEFICIENCY; PYGM DEFICIENCY; McArdle type glycogen storage disease. Identifiers: Orphanet 368, MedGen C0017924, MONDO:0009293, OMIM 232600.

Submission:

Myriad Genetics, Inc.
Classification: Pathogenic for Glycogen storage disease, type V. Last evaluated: 2023-11-15. Review status: criteria provided, single submitter. Criteria: Myriad Autosomal Dominant, Autosomal Recessive and X-Linked Classification Criteria (2023). Collection method: clinical testing. Allele origin: unknown.
Comment: NM_005609.2(PYGM):c.1101_1105dup5(T369Mfs*2) is expected to be pathogenic in the context of glycogen storage disease, PYGM-related. This variant is predicted to lead to an abnormal or absent protein product due to the creation of a premature termination codon in PYGM, a gene where loss-of-function variants are known to be pathogenic. Please note: this variant was assessed in the context of healthy population screening.